The following is an entry in ClinVar:

NM_004706.4(ARHGEF1):c.566G>T (p.Arg189Leu)

Gene: ARHGEF1 (Rho guanine nucleotide exchange factor 1; plus strand). Cytogenetic location: 19q13.2.
Variant type: single nucleotide variant.
Coding change: c.566G>T on transcript NM_004706.4 (MANE Select); coding-DNA position 566, G replaced by T.
Protein change: p.Arg189Leu; replaces arginine 189 with leucine.
Molecular consequence: missense variant. On other transcripts: non-coding transcript variant (2).
Genome position (GRCh38, 1-based): chr19:41,892,801, G>T. VCF-style: chr19-41892801-G-T. GRCh37 (hg19) VCF-style: chr19-42396872-G-T.
Other names: c.566G>T, p.Arg189Leu (NM_001396000.1, NM_001396003.1, NM_001396006.1); c.467G>T, p.Arg156Leu (NM_001396002.1, NM_001396004.1, NM_198977.2); c.611G>T, p.Arg204Leu (NM_199002.2); short protein forms R156L, R189L, R204L.
Identifiers: ClinVar variation 4736343 (VCV004736343.1).

ClinVar aggregate classification (germline): Uncertain significance (1 of 4 stars; one submission).

Submission:

Labcorp Genetics (formerly Invitae), Labcorp
Classification: Uncertain significance. Last evaluated: 2026-01-28. Review status: criteria provided, single submitter. Criteria: Invitae Variant Classification Sherloc (09022015). Collection method: clinical testing. Allele origin: germline.
Comment: This sequence change replaces arginine, which is basic and polar, with leucine, which is neutral and non-polar, at codon 204 of the ARHGEF1 protein (p.Arg204Leu). This variant is not present in population databases (gnomAD no frequency). This variant has not been reported in the literature in individuals affected with ARHGEF1-related conditions. An algorithm developed to predict the effect of missense changes on protein structure and function (PolyPhen-2) suggests that this variant is likely to be disruptive. In summary, the available evidence is currently insufficient to determine the role of this variant in disease. Therefore, it has been classified as a Variant of Uncertain Significance.